The following is an entry in ClinVar:

NM_001371986.1(UNC80):c.7948C>G (p.Leu2650Val)

Gene: UNC80 (unc-80 subunit of NALCN channel complex; plus strand). Cytogenetic location: 2q34.
Variant type: single nucleotide variant.
Coding change: c.7948C>G on transcript NM_001371986.1 (MANE Select); coding-DNA position 7948, C replaced by G.
Protein change: p.Leu2650Val; replaces leucine 2650 with valine.
Molecular consequence: missense variant.
Genome position (GRCh38, 1-based): chr2:209,967,579, C>G. VCF-style: chr2-209967579-C-G. GRCh37 (hg19) VCF-style: chr2-210832303-C-G.
Other names: c.7750C>G, p.Leu2584Val (NM_032504.2); c.7735C>G, p.Leu2579Val (NM_182587.4); short protein forms L2579V, L2584V, L2650V.
Identifiers: ClinVar variation 1486247 (VCV001486247.6), dbSNP rs1185761554, ClinGen allele CA350777403.
Genomic context (GRCh38, chr2:209,967,579, plus strand): 5'-ATCATGGAGATGCTACCCATTACTGACTGGACAGCTGAGGCAGTGAGGCCGGCCCTCATC[C>G]TCATTTTAAAAAGATTGGATAGAATGTTCAACAAAATTCATAAGATGCCTACTTTGAGGT-3'
Protein context (NP_001358915.1, residues 2640-2660): TAEAVRPALI[Leu2650Val]ILKRLDRMFN

ClinVar aggregate classification (germline): Uncertain significance (1 of 4 stars; one submission).

Submission:

Labcorp Genetics (formerly Invitae), Labcorp
Classification: Uncertain significance. Last evaluated: 2021-01-30. Review status: criteria provided, single submitter. Criteria: Invitae Variant Classification Sherloc (09022015). Collection method: clinical testing. Allele origin: germline.
Comment: In summary, the available evidence is currently insufficient to determine the role of this variant in disease. Therefore, it has been classified as a Variant of Uncertain Significance. Algorithms developed to predict the effect of missense changes on protein structure and function are either unavailable or do not agree on the potential impact of this missense change (SIFT: "Not Available"; PolyPhen-2: "Probably Damaging"; Align-GVGD: "Not Available"). This variant is not present in population databases (ExAC no frequency). This sequence change replaces leucine with valine at codon 2584 of the UNC80 protein (p.Leu2584Val). The leucine residue is moderately conserved and there is a small physicochemical difference between leucine and valine. This variant has not been reported in the literature in individuals with UNC80-related conditions.